The following is an entry in ClinVar:

ClinVar aggregate classification (germline): Uncertain significance (1 of 4 stars; one submission).

Conditions:
Neuroblastoma, susceptibility to, 3. Also called: ALK-Related Neuroblastic Tumor Susceptibility. Identifiers: Orphanet 635, MedGen C2751681, MONDO:0013083, OMIM 613014.

Submission:

Labcorp Genetics (formerly Invitae), Labcorp
Classification: Uncertain significance for Neuroblastoma, susceptibility to, 3. Last evaluated: 2022-07-12. Review status: criteria provided, single submitter. Criteria: Invitae Variant Classification Sherloc (09022015). Collection method: clinical testing. Allele origin: germline.
Comment: This variant has not been reported in the literature in individuals affected with ALK-related conditions. This variant is not present in population databases (gnomAD no frequency). This sequence change affects an acceptor splice site in intron 9 of the ALK gene. It is expected to disrupt RNA splicing. Variants that disrupt the donor or acceptor splice site typically lead to a loss of protein function (PMID: 16199547), however the current clinical and genetic evidence is not sufficient to establish whether loss-of-function variants in ALK cause disease. ClinVar contains an entry for this variant (Variation ID: 1384183). In summary, the available evidence is currently insufficient to determine the role of this variant in disease. Therefore, it has been classified as a Variant of Uncertain Significance. Algorithms developed to predict the effect of sequence changes on RNA splicing suggest that this variant may disrupt the consensus splice site.

Literature cited by the submitters: PubMed 16199547.

NM_004304.5(ALK):c.1818-1G>A

Gene: ALK (ALK receptor tyrosine kinase; minus strand). Cytogenetic location: 2p23.2.
Variant type: single nucleotide variant.
Coding change: c.1818-1G>A on transcript NM_004304.5 (MANE Select); the canonical splice acceptor site of the intron before coding-DNA position 1818, G replaced by A.
Molecular consequence: splice acceptor variant.
Genome position (GRCh38, 1-based): chr2:29,275,497, C>T on the plus strand (G>A on the coding strand, the complement: ALK is on the minus strand). VCF-style: chr2-29275497-C-T. GRCh37 (hg19) VCF-style: chr2-29498363-C-T.
Identifiers: ClinVar variation 1384183 (VCV001384183.6), dbSNP rs1665518836, ClinGen allele CA346480062.